The following is an entry in ClinVar:

ClinVar aggregate classification (germline): Pathogenic. Review status: criteria provided, multiple submitters, no conflicts (2 of 4 stars). 2 submissions from 2 submitters: Pathogenic (2). Last evaluated 2024-12-11.

Conditions:
Usher syndrome type 2A. Also called: RETINAL DISEASE IN USHER SYNDROME TYPE IIA, MODIFIER OF; USHER SYNDROME, TYPE IIA. Identifiers: Orphanet 231178, Orphanet 886, MedGen C1848634, MONDO:0010169, OMIM 276901.

Submissions (2):

Natera, Inc.
Classification: Pathogenic for Usher syndrome type 2A. Last evaluated: 2024-12-11. Review status: criteria provided, single submitter. Criteria: Natera Variant Classification Schema (03/2026). Collection method: clinical testing. Allele origin: germline.
Comment: The c.6724G>T variant in USH2A is a nonsense variant predicted to introduce a stop codon at amino acid 2242. This variant is expected to result in nonsense mediated decay, truncation, or a dysfunctional protein product. This variant is rare in the general population with a frequency below the threshold expected for the associated phenotype(s). This variant has been observed in one or more individuals affected with the associated recessive disease, as either homozygous or compound heterozygous with a second variant (PMID: 27460420). Given the available evidence, this variant is classified as Pathogenic.

Labcorp Genetics (formerly Invitae), Labcorp
Classification: Pathogenic. Last evaluated: 2024-07-17. Review status: criteria provided, single submitter. Criteria: Invitae Variant Classification Sherloc (09022015). Collection method: clinical testing. Allele origin: germline.
Comment: This sequence change creates a premature translational stop signal (p.Glu2242*) in the USH2A gene. It is expected to result in an absent or disrupted protein product. Loss-of-function variants in USH2A are known to be pathogenic (PMID: 10729113, 10909849, 20507924, 25649381). This variant is not present in population databases (gnomAD no frequency). This premature translational stop signal has been observed in individual(s) with USH2A-related conditions (PMID: 36460718). For these reasons, this variant has been classified as Pathogenic.

Literature cited by the submitters: PubMed 27460420 (cited by Natera, Inc.); PubMed 10729113 (cited by Labcorp Genetics (formerly Invitae), Labcorp); PubMed 10909849 (cited by Labcorp Genetics (formerly Invitae), Labcorp); PubMed 20507924 (cited by Labcorp Genetics (formerly Invitae), Labcorp); PubMed 25649381 (cited by Labcorp Genetics (formerly Invitae), Labcorp); PubMed 36460718 (cited by Labcorp Genetics (formerly Invitae), Labcorp).

NM_206933.4(USH2A):c.6724G>T (p.Glu2242Ter)

Gene: USH2A (usherin; minus strand). Cytogenetic location: 1q41.
Variant type: single nucleotide variant.
Coding change: c.6724G>T on transcript NM_206933.4 (MANE Select); coding-DNA position 6724, G replaced by T.
Protein change: p.Glu2242Ter; replaces glutamic acid 2242 with a stop codon.
Molecular consequence: nonsense.
Genome position (GRCh38, 1-based): chr1:215,993,101, C>A on the plus strand (G>T on the coding strand, the complement: USH2A is on the minus strand). VCF-style: chr1-215993101-C-A. GRCh37 (hg19) VCF-style: chr1-216166443-C-A.
Other names: c.6724G>T (NM_206933.2); short protein forms E2242*.
Identifiers: ClinVar variation 3720278 (VCV003720278.3).